The following is an entry in ClinVar:

ClinVar aggregate classification (germline): Uncertain significance (1 of 4 stars; one submission).

Conditions:
Inborn genetic diseases. Identifiers: MedGen C0950123, MeSH D030342.

Submission:

Ambry Genetics
Classification: Uncertain significance for Inborn genetic diseases. Last evaluated: 2023-04-11. Review status: criteria provided, single submitter. Criteria: Ambry Variant Classification Scheme 2023. Collection method: clinical testing. Allele origin: germline.
Comment: The p.D2231Y variant (also known as c.6691G>T), located in coding exon 40 of the ATR gene, results from a G to T substitution at nucleotide position 6691. The aspartic acid at codon 2231 is replaced by tyrosine, an amino acid with highly dissimilar properties. This amino acid position is conserved. In addition, this alteration is predicted to be deleterious by in silico analysis. Since supporting evidence is limited at this time, the clinical significance of this alteration remains unclear.

NM_001184.4(ATR):c.6691G>T (p.Asp2231Tyr)

Gene: ATR (ATR checkpoint kinase; minus strand). Cytogenetic location: 3q23.
Variant type: single nucleotide variant.
Coding change: c.6691G>T on transcript NM_001184.4 (MANE Select); coding-DNA position 6691, G replaced by T.
Protein change: p.Asp2231Tyr; replaces aspartic acid 2231 with tyrosine.
Molecular consequence: missense variant.
Genome position (GRCh38, 1-based): chr3:142,466,530, C>A on the plus strand (G>T on the coding strand, the complement: ATR is on the minus strand). VCF-style: chr3-142466530-C-A. GRCh37 (hg19) VCF-style: chr3-142185372-C-A.
Other names: c.6499G>T, p.Asp2167Tyr (NM_001354579.2); short protein forms D2231Y, D2167Y.
Identifiers: ClinVar variation 2561357 (VCV002561357.2), dbSNP rs2473060782, ClinGen allele CA354802372.
Genomic context (GRCh38, chr3:142,466,530, plus strand): 5'-CTACCAGCTTTTTAAGCATTTTAAAATGAGTGCTCATGCTTAATGTGGAACTACTTCCAT[C>A]AACCTGAAAAAATAAATAGTGCATTTTAATTTGTTTTTACCTTAAATTCCACTATAACAA-3'
Protein context (NP_001175.2, residues 2221-2241): KLLELCNKPV[Asp2231Tyr]GSSSTLSMST